The following is an entry in ClinVar:

ClinVar aggregate classification (germline): Uncertain significance (1 of 4 stars; one submission).

Allele frequency attached by ClinVar (database versions not stated): gnomAD exomes below 0.00001; TOPMed 0.00001.

Submission:

Labcorp Genetics (formerly Invitae), Labcorp
Classification: Uncertain significance. Last evaluated: 2023-10-06. Review status: criteria provided, single submitter. Criteria: Invitae Variant Classification Sherloc (09022015). Collection method: clinical testing. Allele origin: germline.
Comment: This sequence change replaces cysteine, which is neutral and slightly polar, with serine, which is neutral and polar, at codon 266 of the TOP2B protein (p.Cys266Ser). This variant is present in population databases (no rsID available, gnomAD 0.007%). This variant has not been reported in the literature in individuals affected with TOP2B-related conditions. ClinVar contains an entry for this variant (Variation ID: 1471945). An algorithm developed to predict the effect of missense changes on protein structure and function (PolyPhen-2) suggests that this variant is likely to be tolerated. In summary, the available evidence is currently insufficient to determine the role of this variant in disease. Therefore, it has been classified as a Variant of Uncertain Significance.

NM_001330700.2(TOP2B):c.811T>A (p.Cys271Ser)

Gene: TOP2B (DNA topoisomerase II beta; minus strand). Cytogenetic location: 3p24.2.
Variant type: single nucleotide variant.
Coding change: c.811T>A on transcript NM_001330700.2 (MANE Select); coding-DNA position 811, T replaced by A.
Protein change: p.Cys271Ser; replaces cysteine 271 with serine.
Molecular consequence: missense variant.
Genome position (GRCh38, 1-based): chr3:25,635,977, A>T on the plus strand (T>A on the coding strand, the complement: TOP2B is on the minus strand). VCF-style: chr3-25635977-A-T. GRCh37 (hg19) VCF-style: chr3-25677468-A-T.
Other names: c.796T>A, p.Cys266Ser (NM_001068.3); short protein forms C271S, C266S.
Identifiers: ClinVar variation 1471945 (VCV001471945.8), dbSNP rs1440401891, ClinGen allele CA351911954.